The following is an entry in ClinVar:

NM_020366.4(RPGRIP1):c.1243del (p.Asp415fs)

Gene: RPGRIP1 (RPGR interacting protein 1; plus strand). Cytogenetic location: 14q11.2.
Variant type: Deletion.
Coding change: c.1243del on transcript NM_020366.4 (MANE Select); coding-DNA position 1243, one base deleted (G; older notation c.1243delG).
Protein change: p.Asp415fs; shifts the reading frame from aspartic acid 415.
Molecular consequence: frameshift variant.
Genome position (GRCh38, 1-based): chr14:21,317,787, G deleted; the last of 2 consecutive G bases (chr14:21,317,786-21,317,787); deleting either gives the same sequence. VCF-style (leftmost placement, unchanged base first): chr14-21317785-AG-A. GRCh37 (hg19) VCF-style: chr14-21785944-AG-A.
Other names: c.169del, p.Asp57fs (NM_001377523.1, NM_001377948.1, NM_001377949.1 and 1 more transcripts); short protein forms D57fs, D415fs.
Identifiers: ClinVar variation 2096878 (VCV002096878.4), dbSNP rs2502753195, ClinGen allele CA2580087826.

ClinVar aggregate classification (germline): Pathogenic (1 of 4 stars; one submission).

Conditions:
Cone-rod dystrophy 13 (CORD13). Identifiers: Orphanet 1872, MedGen C2750720, MONDO:0011987, OMIM 608194.
Leber congenital amaurosis 6 (LCA6). Identifiers: Orphanet 65, MedGen C1854260, MONDO:0013446, OMIM 613826.

Submission:

Labcorp Genetics (formerly Invitae), Labcorp
Classification: Pathogenic for Leber congenital amaurosis 6; Cone-rod dystrophy 13. Last evaluated: 2022-09-27. Review status: criteria provided, single submitter. Criteria: Invitae Variant Classification Sherloc (09022015). Collection method: clinical testing. Allele origin: germline.
Comment: For these reasons, this variant has been classified as Pathogenic. This variant has not been reported in the literature in individuals affected with RPGRIP1-related conditions. This variant is not present in population databases (gnomAD no frequency). This sequence change creates a premature translational stop signal (p.Asp415Ilefs*27) in the RPGRIP1 gene. It is expected to result in an absent or disrupted protein product. Loss-of-function variants in RPGRIP1 are known to be pathogenic (PMID: 11528500, 23105016).

Literature cited by the submitters: PubMed 11528500; PubMed 23105016.